The following is an entry in ClinVar:

ClinVar aggregate classification (germline): Uncertain significance. Review status: criteria provided, multiple submitters, no conflicts (2 of 4 stars). 2 submissions from 2 submitters: Uncertain significance (2). Last evaluated 2025-09-13.

Allele frequency attached by ClinVar (database versions not stated): TOPMed below 0.00001; gnomAD 0.00001; gnomAD exomes 0.00002.

Submissions (2):

Labcorp Genetics (formerly Invitae), Labcorp
Classification: Uncertain significance. Last evaluated: 2025-09-13. Review status: criteria provided, single submitter. Criteria: Invitae Variant Classification Sherloc (09022015). Collection method: clinical testing. Allele origin: germline.
Comment: This sequence change replaces glutamine, which is neutral and polar, with glutamic acid, which is acidic and polar, at codon 431 of the TAOK2 protein (p.Gln431Glu). This variant is not present in population databases (gnomAD no frequency). This variant has not been reported in the literature in individuals affected with TAOK2-related conditions. ClinVar contains an entry for this variant (Variation ID: 3173786). An algorithm developed to predict the effect of missense changes on protein structure and function (PolyPhen-2) suggests that this variant is likely to be tolerated. In summary, the available evidence is currently insufficient to determine the role of this variant in disease. Therefore, it has been classified as a Variant of Uncertain Significance.

Ambry Genetics
Classification: Uncertain significance. Last evaluated: 2024-02-26. Review status: criteria provided, single submitter. Criteria: Ambry Variant Classification Scheme 2023. Collection method: clinical testing. Allele origin: germline.

NM_016151.4(TAOK2):c.1291C>G (p.Gln431Glu)

Gene: TAOK2 (TAO kinase 2; plus strand). Cytogenetic location: 16p11.2.
Variant type: single nucleotide variant.
Coding change: c.1291C>G on transcript NM_016151.4 (MANE Select); coding-DNA position 1291, C replaced by G.
Protein change: p.Gln431Glu; replaces glutamine 431 with glutamic acid.
Molecular consequence: missense variant.
Genome position (GRCh38, 1-based): chr16:29,983,533, C>G. VCF-style: chr16-29983533-C-G. GRCh37 (hg19) VCF-style: chr16-29994854-C-G.
Other names: c.1291C>G, p.Gln431Glu (NM_001252043.2, NM_004783.4); short protein forms Q431E.
Identifiers: ClinVar variation 3173786 (VCV003173786.2), dbSNP rs1248475476, ClinGen allele CA395481675.